The following is an entry in ClinVar:

NM_152383.5(DIS3L2):c.2432G>A (p.Gly811Asp)

Gene: DIS3L2 (DIS3 like 3'-5' exoribonuclease 2; plus strand). Cytogenetic location: 2q37.1.
Variant type: single nucleotide variant.
Coding change: c.2432G>A on transcript NM_152383.5 (MANE Select); coding-DNA position 2432, G replaced by A.
Protein change: p.Gly811Asp; replaces glycine 811 with aspartic acid.
Molecular consequence: missense variant. On other transcripts: non-coding transcript variant (2), intron variant (1).
Genome position (GRCh38, 1-based): chr2:232,335,810, G>A. VCF-style: chr2-232335810-G-A. GRCh37 (hg19) VCF-style: chr2-233200520-G-A.
Other names: c.1582-7535G>A (NM_001257281.2); short protein forms G811D.
Identifiers: ClinVar variation 2848413 (VCV002848413.3), dbSNP rs1196270966, ClinGen allele CA350978214.
Genomic context (GRCh38, chr2:232,335,810, plus strand): 5'-GAGGCTTGGTGTTTGCACTCCAGGCACTGGCCCTGCGGTCCCACCACTTCCAGAAGGTGG[G>A]CAAGAAGCCGGAACTCACGCTGGTCTGGGAGCCTGAGGACATGGAGCAGGAGCCAGCACA-3'
Protein context (NP_689596.4, residues 801-821): ALRSHHFQKV[Gly811Asp]KKPELTLVWE

ClinVar aggregate classification (germline): Uncertain significance (1 of 4 stars; one submission).

Conditions:
Perlman syndrome (PRLMNS). Identifiers: Orphanet 2849, MedGen C0796113, MONDO:0009965, OMIM 267000.

Submission:

Labcorp Genetics (formerly Invitae), Labcorp
Classification: Uncertain significance for Perlman syndrome. Last evaluated: 2023-03-22. Review status: criteria provided, single submitter. Criteria: Invitae Variant Classification Sherloc (09022015). Collection method: clinical testing. Allele origin: germline.
Comment: In summary, the available evidence is currently insufficient to determine the role of this variant in disease. Therefore, it has been classified as a Variant of Uncertain Significance. Advanced modeling of protein sequence and biophysical properties (such as structural, functional, and spatial information, amino acid conservation, physicochemical variation, residue mobility, and thermodynamic stability) performed at Invitae indicates that this missense variant is not expected to disrupt DIS3L2 protein function. This sequence change replaces glycine, which is neutral and non-polar, with aspartic acid, which is acidic and polar, at codon 811 of the DIS3L2 protein (p.Gly811Asp). This variant is not present in population databases (gnomAD no frequency). This variant has not been reported in the literature in individuals affected with DIS3L2-related conditions.